The following is an entry in ClinVar:

NM_001370259.2(MEN1):c.1388A>C (p.Glu463Ala)

Gene: MEN1 (menin 1; minus strand). Cytogenetic location: 11q13.1.
Variant type: single nucleotide variant.
Coding change: c.1388A>C on transcript NM_001370259.2 (MANE Select); coding-DNA position 1388, A replaced by C.
Protein change: p.Glu463Ala; replaces glutamic acid 463 with alanine.
Molecular consequence: missense variant.
Genome position (GRCh38, 1-based): chr11:64,804,779, T>G on the plus strand (A>C on the coding strand, the complement: MEN1 is on the minus strand). VCF-style: chr11-64804779-T-G. GRCh37 (hg19) VCF-style: chr11-64572251-T-G.
Other names: c.1403A>C, p.Glu468Ala (NM_001407145.1, NM_000244.4, NM_130800.3 and 4 more transcripts); c.1388A>C, p.Glu463Ala (NM_001407146.1, NM_001407147.1, NM_001370260.2 and 2 more transcripts); c.1283A>C, p.Glu428Ala (NM_001407149.1, NM_001407148.1, NM_001370262.2 and 1 more transcripts); c.1514A>C, p.Glu505Ala (NM_001370251.2, NM_001407142.1, NM_001407143.1 and 1 more transcripts); c.1529A>C, p.Glu510Ala (NM_001407150.1); c.1409A>C, p.Glu470Ala (NM_001407151.1); c.1223A>C, p.Glu408Ala (NM_001407152.1); short protein forms E408A, E428A, E463A, E468A, E470A, E505A, E510A.
Identifiers: ClinVar variation 1709865 (VCV001709865.6), dbSNP rs2136092995, ClinGen allele CA381179734.

ClinVar aggregate classification (germline): Uncertain significance. Review status: criteria provided, multiple submitters, no conflicts (2 of 4 stars). 3 submissions from 3 submitters: Uncertain significance (3). Last evaluated 2024-04-08.

Conditions:
Hereditary cancer-predisposing syndrome. Also called: Hereditary neoplastic syndrome; Tumor predisposition; Neoplastic Syndromes, Hereditary; Hereditary Cancer Syndrome. Identifiers: Orphanet 140162, MedGen C0027672, MeSH D009386, MONDO:0015356.
Multiple endocrine neoplasia, type 1 (MEN1). Also called: MEN I; WERMER SYNDROME; Endocrine adenomatosis multiple; MEN 1; MEA I. Identifiers: Orphanet 652, MedGen C0025267, MeSH D018761, MONDO:0007540, OMIM 131100.

Submissions (3):

Labcorp Genetics (formerly Invitae), Labcorp
Classification: Uncertain significance for Multiple endocrine neoplasia, type 1. Last evaluated: 2024-04-08. Review status: criteria provided, single submitter. Criteria: Invitae Variant Classification Sherloc (09022015). Collection method: clinical testing. Allele origin: germline.
Comment: This sequence change replaces glutamic acid, which is acidic and polar, with alanine, which is neutral and non-polar, at codon 463 of the MEN1 protein (p.Glu463Ala). This variant is not present in population databases (gnomAD no frequency). This variant has not been reported in the literature in individuals affected with MEN1-related conditions. ClinVar contains an entry for this variant (Variation ID: 1709865). Advanced modeling of protein sequence and biophysical properties (such as structural, functional, and spatial information, amino acid conservation, physicochemical variation, residue mobility, and thermodynamic stability) performed at Invitae indicates that this missense variant is expected to disrupt MEN1 protein function with a positive predictive value of 95%. In summary, the available evidence is currently insufficient to determine the role of this variant in disease. Therefore, it has been classified as a Variant of Uncertain Significance.

MGZ Medical Genetics Center
Classification: Uncertain significance for Multiple endocrine neoplasia, type 1. Last evaluated: 2021-09-16. Review status: criteria provided, single submitter. Criteria: ACMG Guidelines, 2015. Collection method: clinical testing. Allele origin: germline. Affected: yes. Observed: 1 variant allele.
Comment: ACMG criteria applied: PM2_SUP, PP3

Ambry Genetics
Classification: Uncertain significance for Hereditary cancer-predisposing syndrome. Last evaluated: 2020-09-08. Review status: criteria provided, single submitter. Criteria: Ambry Variant Classification Scheme 2023. Collection method: clinical testing. Allele origin: germline.
Comment: The p.E463A variant (also known as c.1388A>C), located in coding exon 9 of the MEN1 gene, results from an A to C substitution at nucleotide position 1388. The glutamic acid at codon 463 is replaced by alanine, an amino acid with dissimilar properties. This amino acid position is well conserved in available vertebrate species. In addition, the in silico prediction for this alteration is inconclusive. Since supporting evidence is limited at this time, the clinical significance of this alteration remains unclear.